The following is an entry in ClinVar:

ClinVar aggregate classification (germline): Benign. Review status: criteria provided, multiple submitters, no conflicts (2 of 4 stars). 3 submissions from 3 submitters: Benign (3). Last evaluated 2021-07-14.

Conditions:
Pontocerebellar hypoplasia type 2E. Identifiers: Orphanet 247198, MedGen C4014488, MONDO:0014370, OMIM 615851.

Allele frequency attached by ClinVar (database versions not stated): 1000 Genomes Project 30x 0.34603; 1000 Genomes Project 0.35064; gnomAD 0.30116; TOPMed 0.30550.
gnomAD v4.1: 303,713 of 951,592 alleles (32%); highest among the groups gnomAD compares: East Asian, 65%; 51,118 homozygotes.

Submissions (3):

Genome-Nilou Lab
Classification: Benign for Pontocerebellar hypoplasia type 2E. Last evaluated: 2021-07-14. Review status: criteria provided, single submitter. Criteria: ACMG Guidelines, 2015. Collection method: clinical testing. Allele origin: germline. Affected: no.

GeneDx
Classification: Benign. Last evaluated: 2018-06-19. Review status: criteria provided, single submitter. Criteria: GeneDx Variant Classification (06012015). Collection method: clinical testing. Allele origin: germline. Affected: yes.
Comment: This variant is considered likely benign or benign based on one or more of the following criteria: it is a conservative change, it occurs at a poorly conserved position in the protein, it is predicted to be benign by multiple in silico algorithms, and/or has population frequency not consistent with disease.

Breakthrough Genomics
Classification: Benign. Review status: criteria provided, single submitter. Criteria: ACMG Guidelines, 2015. Collection method: not provided. Allele origin: germline. Inheritance: Autosomal recessive inheritance. Affected: yes.

NM_001128159.3(VPS53):c.1117-91C>G

Genes: VPS53 (VPS53 subunit of GARP complex; minus strand), LOC126862457 (BRD4-independent group 4 enhancer GRCh37_chr17:504328-505527; plus strand). Cytogenetic location: 17p13.3.
Variant type: single nucleotide variant.
Coding change: c.1117-91C>G on transcript NM_001128159.3 (MANE Select); 91 bases into the intron before coding-DNA position 1117, C replaced by G.
Molecular consequence: intron variant.
Genome position (GRCh38, 1-based): chr17:601,987, G>C on the plus strand (C>G on the coding strand, the complement: VPS53 is on the minus strand). VCF-style: chr17-601987-G-C. GRCh37 (hg19) VCF-style: chr17-505227-G-C.
Other names: c.1030-91C>G (NM_018289.4); c.1117-91C>G (NM_001366253.2); c.523-91C>G (NM_001366254.2).
Identifiers: ClinVar variation 670860 (VCV000670860.5), dbSNP rs7225041, ClinGen allele CA14392140.